The following is an entry in ClinVar:

ClinVar aggregate classification (germline): Uncertain significance (1 of 4 stars; one submission).

Conditions:
Hereditary cancer-predisposing syndrome. Also called: Hereditary Cancer Syndrome; Hereditary neoplastic syndrome; Neoplastic Syndromes, Hereditary; Tumor predisposition. Identifiers: Orphanet 140162, MedGen C0027672, MeSH D009386, MONDO:0015356.

Submission:

Ambry Genetics
Classification: Uncertain significance for Hereditary cancer-predisposing syndrome. Last evaluated: 2022-03-07. Review status: criteria provided, single submitter. Criteria: Ambry Variant Classification Scheme 2023. Collection method: clinical testing. Allele origin: germline.
Comment: The p.V1392A variant (also known as c.4175T>C), located in coding exon 29 of the ALK gene, results from a T to C substitution at nucleotide position 4175. The valine at codon 1392 is replaced by alanine, an amino acid with similar properties. This amino acid position is conserved. In addition, the in silico prediction for this alteration is inconclusive. Since supporting evidence is limited at this time, the clinical significance of this alteration remains unclear.

NM_004304.5(ALK):c.4175T>C (p.Val1392Ala)

Gene: ALK (ALK receptor tyrosine kinase; minus strand). Cytogenetic location: 2p23.2.
Variant type: single nucleotide variant.
Coding change: c.4175T>C on transcript NM_004304.5 (MANE Select); coding-DNA position 4175, T replaced by C.
Protein change: p.Val1392Ala; replaces valine 1392 with alanine.
Molecular consequence: missense variant.
Genome position (GRCh38, 1-based): chr2:29,193,912, A>G on the plus strand (T>C on the coding strand, the complement: ALK is on the minus strand). VCF-style: chr2-29193912-A-G. GRCh37 (hg19) VCF-style: chr2-29416778-A-G.
Other names: c.971T>C, p.Val324Ala (NM_001353765.2); short protein forms V1392A, V324A.
Identifiers: ClinVar variation 1738448 (VCV001738448.2), dbSNP rs2148139156, ClinGen allele CA346463554.